The following is an entry in ClinVar:

ClinVar aggregate classification (germline): Uncertain significance (1 of 4 stars; one submission).

Conditions:
Charcot-Marie-Tooth disease X-linked dominant 6. Also called: CHARCOT-MARIE-TOOTH NEUROPATHY, X-LINKED DOMINANT, 6. Identifiers: Orphanet 352675, MedGen C3806702, MONDO:0010479, OMIM 300905.

Allele frequency attached by ClinVar (database versions not stated): gnomAD exomes below 0.00001; TOPMed 0.00001; gnomAD 0.00001.
gnomAD v4.1: 5 of 1,196,439 alleles (0.00042%); highest among the groups gnomAD compares: Non-Finnish European, 0.00057%; no homozygotes.

Submission:

Labcorp Genetics (formerly Invitae), Labcorp
Classification: Uncertain significance for Charcot-Marie-Tooth disease X-linked dominant 6. Last evaluated: 2018-01-23. Review status: criteria provided, single submitter. Criteria: Invitae Variant Classification Sherloc (09022015). Collection method: clinical testing. Allele origin: germline.
Comment: This sequence change replaces proline with serine at codon 54 of the PDK3 protein (p.Pro54Ser). The proline residue is highly conserved and there is a moderate physicochemical difference between proline and serine. This variant is not present in population databases (ExAC no frequency). This variant has not been reported in the literature in individuals with PDK3-related disease. Algorithms developed to predict the effect of missense changes on protein structure and function do not agree on the potential impact of this missense change (SIFT: "Tolerated"; PolyPhen-2: "Probably Damaging"; Align-GVGD: "Class C0"). In summary, the available evidence is currently insufficient to determine the role of this variant in disease. Therefore, it has been classified as a Variant of Uncertain Significance.

NM_005391.5(PDK3):c.160C>T (p.Pro54Ser)

Gene: PDK3 (pyruvate dehydrogenase kinase 3; plus strand). Cytogenetic location: Xp22.11.
Variant type: single nucleotide variant.
Coding change: c.160C>T on transcript NM_005391.5 (MANE Select); coding-DNA position 160, C replaced by T.
Protein change: p.Pro54Ser; replaces proline 54 with serine.
Molecular consequence: missense variant.
Genome position (GRCh38, 1-based): chrX:24,494,795, C>T. VCF-style: chrX-24494795-C-T. GRCh37 (hg19) VCF-style: chrX-24512912-C-T.
Other names: c.160C>T, p.Pro54Ser (NM_001142386.3); short protein forms P54S.
Identifiers: ClinVar variation 572656 (VCV000572656.8), dbSNP rs1569221445, ClinGen allele CA412604148.